The following is an entry in ClinVar:

NM_001429.4(EP300):c.4452+10G>C

Gene: EP300 (EP300 lysine acetyltransferase; plus strand). Cytogenetic location: 22q13.2.
Variant type: single nucleotide variant.
Coding change: c.4452+10G>C on transcript NM_001429.4 (MANE Select); 10 bases into the intron after coding-DNA position 4452, G replaced by C.
Molecular consequence: intron variant.
Genome position (GRCh38, 1-based): chr22:41,170,581, G>C. VCF-style: chr22-41170581-G-C. GRCh37 (hg19) VCF-style: chr22-41566585-G-C.
Other names: c.4374+10G>C (NM_001362843.2); c.4452+10G>C (NM_001429.3).
Identifiers: ClinVar variation 3614313 (VCV003614313.3).

ClinVar aggregate classification (germline): Likely benign. Review status: criteria provided, multiple submitters, no conflicts (2 of 4 stars). 2 submissions from 2 submitters: Likely benign (2). Last evaluated 2025-11-24.

Conditions:
EP300-related disorder. Also called: EP300-related disorders; EP300-related condition.
Rubinstein-Taybi syndrome due to EP300 haploinsufficiency. Also called: EP300-Related Rubinstein-Taybi Syndrome; RUBINSTEIN-TAYBI SYNDROME 2. Identifiers: Orphanet 353284, Orphanet 783, MedGen C3150941, MONDO:0013364, OMIM 613684.

gnomAD v4.1: 1 of 1,612,808 alleles (0.000062%); highest among the groups gnomAD compares: Non-Finnish European, 0.000085%; no homozygotes.

Submissions (2):

PreventionGenetics, part of Exact Sciences
Classification: Likely benign for EP300-related condition. Last evaluated: 2025-11-24. Review status: criteria provided, single submitter. Criteria: ACMG Guidelines, 2015. Collection method: clinical testing. Allele origin: germline.
Comment: This variant is classified as likely benign based on ACMG/AMP sequence variant interpretation guidelines (Richards et al. 2015 PMID: 25741868, with internal and published modifications).

Labcorp Genetics (formerly Invitae), Labcorp
Classification: Likely benign for Rubinstein-Taybi syndrome due to EP300 haploinsufficiency. Last evaluated: 2024-10-21. Review status: criteria provided, single submitter. Criteria: Invitae Variant Classification Sherloc (09022015). Collection method: clinical testing. Allele origin: germline.